The following is an entry in ClinVar:

ClinVar aggregate classification (germline): Uncertain significance (1 of 4 stars; one submission).

Conditions:
Autosomal recessive polycystic kidney disease (ARPKD). Also called: AR polycystic kidney disease. Identifiers: Orphanet 731, Orphanet 8378, MedGen C0085548, MeSH D017044, MONDO:0009889.

gnomAD v4.1: 1 of 1,613,456 alleles (0.000062%); highest among the groups gnomAD compares: Non-Finnish European, 0.000085%; no homozygotes.

Submission:

Labcorp Genetics (formerly Invitae), Labcorp
Classification: Uncertain significance for Autosomal recessive polycystic kidney disease. Last evaluated: 2026-01-22. Review status: criteria provided, single submitter. Criteria: Invitae Variant Classification Sherloc (09022015). Collection method: clinical testing. Allele origin: germline.
Comment: This sequence change falls in intron 27 of the PKHD1 gene. It does not directly change the encoded amino acid sequence of the PKHD1 protein. It affects a nucleotide within the consensus splice site. This variant is present in population databases (rs767728263, gnomAD 0.0009%). This variant has not been reported in the literature in individuals affected with PKHD1-related conditions. Variants that disrupt the consensus splice site are a relatively common cause of aberrant splicing (PMID: 17576681, 9536098). Algorithms developed to predict the effect of sequence changes on RNA splicing suggest that this variant may disrupt the consensus splice site. In summary, the available evidence is currently insufficient to determine the role of this variant in disease. Therefore, it has been classified as a Variant of Uncertain Significance.

Literature cited by the submitters: PubMed 17576681; PubMed 9536098.

NM_138694.4(PKHD1):c.3097+3A>G

Gene: PKHD1 (PKHD1 ciliary IPT domain containing fibrocystin/polyductin; minus strand). Cytogenetic location: 6p12.2.
Variant type: single nucleotide variant.
Coding change: c.3097+3A>G on transcript NM_138694.4 (MANE Select); 3 bases into the intron after coding-DNA position 3097, A replaced by G.
Molecular consequence: intron variant.
Genome position (GRCh38, 1-based): chr6:52,042,856, T>C on the plus strand (A>G on the coding strand, the complement: PKHD1 is on the minus strand). VCF-style: chr6-52042856-T-C. GRCh37 (hg19) VCF-style: chr6-51907654-T-C.
Other names: c.3097+3A>G (NM_170724.3).
Identifiers: ClinVar variation 4765974 (VCV004765974.1).